The following is an entry in ClinVar:

ClinVar aggregate classification (germline): Uncertain significance (1 of 4 stars; one submission).

Conditions:
Spongy degeneration of central nervous system. Also called: ACY2 DEFICIENCY; AMINOACYLASE 2 DEFICIENCY; ASP DEFICIENCY; ASPA DEFICIENCY; ASPARTOACYLASE DEFICIENCY; CANAVAN-VAN BOGAERT-BERTRAND DISEASE. Identifiers: Orphanet 141, MedGen C0206307, MONDO:0010079, OMIM 271900.

Allele frequency attached by ClinVar (database versions not stated): gnomAD 0.00008; TOPMed 0.00012; ESP Exome Variant Server 0.00015; ExAC 0.00006.
gnomAD v4.1: 51 of 1,613,870 alleles (0.0032%); highest among the groups gnomAD compares: African/African-American, 0.021%; no homozygotes.

Submission:

Labcorp Genetics (formerly Invitae), Labcorp
Classification: Uncertain significance for Spongy degeneration of central nervous system. Last evaluated: 2022-08-02. Review status: criteria provided, single submitter. Criteria: Invitae Variant Classification Sherloc (09022015). Collection method: clinical testing. Allele origin: germline.
Comment: This sequence change replaces valine, which is neutral and non-polar, with isoleucine, which is neutral and non-polar, at codon 154 of the ASPA protein (p.Val154Ile). This variant is present in population databases (rs2228435, gnomAD 0.04%). This variant has not been reported in the literature in individuals affected with ASPA-related conditions. Advanced modeling of protein sequence and biophysical properties (such as structural, functional, and spatial information, amino acid conservation, physicochemical variation, residue mobility, and thermodynamic stability) performed at Invitae indicates that this missense variant is not expected to disrupt ASPA protein function. In summary, the available evidence is currently insufficient to determine the role of this variant in disease. Therefore, it has been classified as a Variant of Uncertain Significance.

NM_000049.4(ASPA):c.460G>A (p.Val154Ile)

Genes: ASPA (aspartoacylase; plus strand), SPATA22 (spermatogenesis associated 22; minus strand). Cytogenetic location: 17p13.2.
Variant type: single nucleotide variant.
Coding change: c.460G>A on transcript NM_000049.4 (MANE Select); coding-DNA position 460, G replaced by A.
Protein change: p.Val154Ile; replaces valine 154 with isoleucine.
Molecular consequence: missense variant. On other transcripts: intron variant (2).
Genome position (GRCh38, 1-based): chr17:3,483,526, G>A. VCF-style: chr17-3483526-G-A. GRCh37 (hg19) VCF-style: chr17-3386820-G-A.
Other names: c.460G>A, p.Val154Ile (NM_001128085.1); c.-73-14128C>T (NM_001321336.2, NM_001321337.2); short protein forms V154I.
Identifiers: ClinVar variation 2156219 (VCV002156219.1), dbSNP rs2228435, ClinGen allele CA8288939.